The following is an entry in ClinVar:

ClinVar aggregate classification (germline): Likely pathogenic (1 of 4 stars; one submission).

Conditions:
Sotos syndrome (SOTOS). Also called: CHROMOSOME 5q35 DELETION SYNDROME; CEREBRAL GIGANTISM; Sotos' syndrome; Distinctive facial appearance, overgrowth in childhood, and learning disabilities or delayed development; SOTOS SYNDROME 1. Identifiers: Orphanet 821, MedGen C0175695, MONDO:0019349, OMIM 117550.

Submission:

3billion
Classification: Likely pathogenic for Sotos syndrome. Last evaluated: 2026-01-12. Review status: criteria provided, single submitter. Criteria: ACMG Guidelines, 2015. Collection method: clinical testing. Allele origin: germline. Affected: yes.
Comment: The variant is not observed in the gnomAD v4.1.0 dataset. Predicted Consequence/Location: Canonical splice site: predicted to alter splicing and result in a loss or disruption of normal protein function. Multiple pathogenic loss-of-function variants are reported downstream of the variant. In silico tools predict the variant to alter splicing and produce an abnormal transcript [SpliceAI: 0.99 (spliceogenicity >=0.2, non-spliceogenicity <0.1)]. Therefore, this variant is classified as Likely pathogenic according to the recommendation of ACMG/AMP guideline.

NM_022455.5(NSD1):c.6009+1G>A

Gene: NSD1 (nuclear receptor binding SET domain protein 1; plus strand). Cytogenetic location: 5q35.3.
Variant type: single nucleotide variant.
Coding change: c.6009+1G>A on transcript NM_022455.5 (MANE Select); the canonical splice donor site of the intron after coding-DNA position 6009, G replaced by A.
Molecular consequence: splice donor variant.
Genome position (GRCh38, 1-based): chr5:177,282,582, G>A. VCF-style: chr5-177282582-G-A. GRCh37 (hg19) VCF-style: chr5-176709583-G-A.
Other names: c.6009+1G>A (NM_001409301.1, NM_001409302.1, NM_001409303.1); c.5589+1G>A (NM_001409304.1); c.5256+1G>A (NM_001409305.1); c.5247+1G>A (NM_001409306.1, NM_001409307.1); c.5136+1G>A (NM_001409308.1, NM_172349.5, NM_001409309.1 and 1 more transcripts).
Identifiers: ClinVar variation 4856219 (VCV004856219.1).